The following is an entry in ClinVar:

ClinVar aggregate classification (germline): Conflicting classifications of pathogenicity. Review status: criteria provided, conflicting classifications (1 of 4 stars). 4 submissions from 4 submitters: Uncertain significance (1); Likely benign (2). 1 of the submissions does not count toward it. Last evaluated 2026-01-25.

Conditions:
LAMB3-related disorder. Also called: LAMB3-related condition.
Inborn genetic diseases. Identifiers: MedGen C0950123, MeSH D030342.

Allele frequency attached by ClinVar (database versions not stated): 1000 Genomes Project 30x 0.00156; TOPMed 0.00164; ESP Exome Variant Server 0.00161; 1000 Genomes Project 0.00140.
gnomAD v4.1: 566 of 1,614,036 alleles (0.035%); highest among the groups gnomAD compares: African/African-American, 0.69%; 3 homozygotes.

Submissions (4):

Labcorp Genetics (formerly Invitae), Labcorp
Classification: Likely benign. Last evaluated: 2026-01-25. Review status: criteria provided, single submitter. Criteria: Invitae Variant Classification Sherloc (09022015). Collection method: clinical testing. Allele origin: germline.

Ambry Genetics
Classification: Uncertain significance for Inborn genetic diseases. Last evaluated: 2021-08-09. Review status: criteria provided, single submitter. Criteria: Ambry Variant Classification Scheme 2023. Collection method: clinical testing. Allele origin: germline.

Breakthrough Genomics
Classification: Likely benign. Review status: criteria provided, single submitter. Criteria: ACMG Guidelines, 2015. Collection method: not provided. Allele origin: germline. Inheritance: Autosomal recessive inheritance. Affected: yes.

PreventionGenetics, part of Exact Sciences
Classification: Likely benign for LAMB3-related condition. Last evaluated: 2019-12-09. Review status: no assertion criteria provided. Collection method: clinical testing. Allele origin: germline. Not counted in ClinVar's aggregate classification.
Comment: This variant is classified as likely benign based on ACMG/AMP sequence variant interpretation guidelines (Richards et al. 2015 PMID: 25741868, with internal and published modifications).

NM_000228.3(LAMB3):c.875G>T (p.Arg292Leu)

Gene: LAMB3 (laminin subunit beta 3; minus strand). Cytogenetic location: 1q32.2.
Variant type: single nucleotide variant.
Coding change: c.875G>T on transcript NM_000228.3 (MANE Select); coding-DNA position 875, G replaced by T.
Protein change: p.Arg292Leu; replaces arginine 292 with leucine.
Molecular consequence: missense variant.
Genome position (GRCh38, 1-based): chr1:209,630,683, C>A on the plus strand (G>T on the coding strand, the complement: LAMB3 is on the minus strand). VCF-style: chr1-209630683-C-A. GRCh37 (hg19) VCF-style: chr1-209804028-C-A.
Other names: c.875G>T, p.Arg292Leu (NM_001017402.2, NM_001127641.1); short protein forms R292L.
Identifiers: ClinVar variation 747357 (VCV000747357.14), dbSNP rs12091253, ClinGen allele CA1375798.